The following is an entry in ClinVar:

ClinVar aggregate classification (germline): Pathogenic (1 of 4 stars; one submission).

Conditions:
Familial cancer of breast. Also called: Hereditary breast cancer; BREAST CANCER, FAMILIAL; hereditary breast carcinoma. Identifiers: Orphanet 227535, MedGen C0346153, MONDO:0016419, OMIM 114480. Disease mechanism: loss of function.

Submission:

Myriad Genetics, Inc.
Classification: Pathogenic for Familial cancer of breast. Last evaluated: 2023-09-11. Review status: criteria provided, single submitter. Criteria: Myriad Autosomal Dominant, Autosomal Recessive and X-Linked Classification Criteria (2023). Collection method: clinical testing. Allele origin: unknown.
Comment: This variant is considered pathogenic. This variant creates a frameshift predicted to result in premature protein truncation.

NM_024675.4(PALB2):c.1614del (p.Ile538fs)

Gene: PALB2 (partner and localizer of BRCA2; minus strand). Cytogenetic location: 16p12.2.
Variant type: Deletion.
Coding change: c.1614del on transcript NM_024675.4 (MANE Select); coding-DNA position 1614, one base deleted (T; older notation c.1614delT).
Protein change: p.Ile538fs; shifts the reading frame from isoleucine 538.
Molecular consequence: frameshift variant. On other transcripts: intron variant (3).
Genome position (GRCh38, 1-based): chr16:23,634,932, A deleted on the plus strand (T on the coding strand, the reverse complement: PALB2 is on the minus strand); the first of 2 consecutive A bases (chr16:23,634,932-23,634,933); deleting either gives the same sequence. VCF-style (leftmost placement, unchanged base first): chr16-23634931-CA-C. GRCh37 (hg19) VCF-style: chr16-23646252-CA-C.
Other names: c.1554del, p.Ile518fs (NM_001407296.1); c.1614del, p.Ile538fs (NM_001407297.1, NM_001407298.1, NM_001407299.1 and 3 more transcripts); c.729del, p.Ile243fs (NM_001407304.1, NM_001407305.1, NM_001407306.1 and 5 more transcripts); c.49-5657del (NM_001407314.1); c.-104-4463del (NM_001407313.1, NM_001407312.1); short protein forms I243fs, I518fs, I538fs.
Identifiers: ClinVar variation 2674169 (VCV002674169.1), dbSNP rs2506471654, ClinGen allele CA2695197455.